The following is an entry in ClinVar:

NM_032383.5(HPS3):c.2735T>A (p.Leu912Ter)

Genes: CP (ceruloplasmin; minus strand), HPS3 (HPS3 biogenesis of lysosomal organelles complex 2 subunit 1; plus strand). Cytogenetic location: 3q24.
Variant type: single nucleotide variant.
Coding change: c.2735T>A on transcript NM_032383.5 (MANE Select); coding-DNA position 2735, T replaced by A.
Protein change: p.Leu912Ter; replaces leucine 912 with a stop codon.
Molecular consequence: nonsense.
Genome position (GRCh38, 1-based): chr3:149,167,179, T>A. VCF-style: chr3-149167179-T-A. GRCh37 (hg19) VCF-style: chr3-148884966-T-A.
Other names: c.2240T>A, p.Leu747Ter (NM_001308258.2); short protein forms L912*, L747*.
Identifiers: ClinVar variation 2847076 (VCV002847076.3), dbSNP rs2472688931, ClinGen allele CA354925853.

ClinVar aggregate classification (germline): Pathogenic (1 of 4 stars; one submission).

Submission:

Labcorp Genetics (formerly Invitae), Labcorp
Classification: Pathogenic. Last evaluated: 2023-03-18. Review status: criteria provided, single submitter. Criteria: Invitae Variant Classification Sherloc (09022015). Collection method: clinical testing. Allele origin: germline.
Comment: For these reasons, this variant has been classified as Pathogenic. This sequence change creates a premature translational stop signal (p.Leu912*) in the HPS3 gene. It is expected to result in an absent or disrupted protein product. Loss-of-function variants in HPS3 are known to be pathogenic (PMID: 11590544). This variant is not present in population databases (gnomAD no frequency). This premature translational stop signal has been observed in individual(s) with Hermansky-Pudlak syndrome (PMID: 31898847).

Literature cited by the submitters: PubMed 11590544; PubMed 31898847.